The following is an entry in ClinVar:

NM_006715.4(MAN2C1):c.351+1G>A

Gene: MAN2C1 (mannosidase alpha class 2C member 1; minus strand). Cytogenetic location: 15q24.2.
Variant type: single nucleotide variant.
Coding change: c.351+1G>A on transcript NM_006715.4 (MANE Select); the canonical splice donor site of the intron after coding-DNA position 351, G replaced by A.
Molecular consequence: splice donor variant.
Genome position (GRCh38, 1-based): chr15:75,367,510, C>T on the plus strand (G>A on the coding strand, the complement: MAN2C1 is on the minus strand). VCF-style: chr15-75367510-C-T. GRCh37 (hg19) VCF-style: chr15-75659851-C-T.
Other names: NC_000015.9:g.75659851C>T; c.351+1G>A (NM_001256496.2, NM_001256495.2, NM_001256494.2).
Identifiers: ClinVar variation 3384737 (VCV003384737.4).

ClinVar aggregate classification (germline): Conflicting classifications of pathogenicity. Review status: criteria provided, conflicting classifications (1 of 4 stars). 3 submissions from 3 submitters: Likely pathogenic (2); Uncertain significance (1). Last evaluated 2026-04-24.

Conditions:
Congenital disorder of deglycosylation 2 (CDDG2). Identifiers: MedGen C5676931, MONDO:0030770, OMIM 619775.

gnomAD v4.1: 53 of 1,613,686 alleles (0.0033%); highest among the groups gnomAD compares: Admixed American, 0.07%; 1 homozygote.

Submissions (4):

Greenwood Genetic Center Diagnostic Laboratories, Greenwood Genetic Center
Classification: Uncertain significance. Last evaluated: 2026-04-24. Review status: criteria provided, single submitter. Criteria: ACMG Guidelines, 2015. Collection method: clinical testing. Allele origin: germline.
Comment: PVS1

Women's Health and Genetics/Laboratory Corporation of America, LabCorp
Classification: Likely pathogenic for Congenital disorder of deglycosylation 2. Last evaluated: 2024-10-11. Review status: criteria provided, single submitter. Criteria: LabCorp Variant Classification Summary - May 2015. Collection method: clinical testing. Allele origin: germline.
Comment: Variant summary: MAN2C1 c.351+1G>A is located in a canonical splice-site and is predicted to affect mRNA splicing resulting in a significantly altered protein due to either exon skipping, shortening, or inclusion of intronic material. Variants that disrupt the consensus splice site are a relatively common cause of aberrant splicing and loss of MAN2C1 function. Several computational tools predict a significant impact on normal splicing: Four predict the variant abolishes a canonical 5' splicing donor site. However, these predictions have yet to be confirmed by functional studies. The variant allele was found at a frequency of 4.4e-05 in 251020 control chromosomes (gnomAD). This frequency is not significantly higher than estimated for a pathogenic variant in MAN2C1 causing Congenital Disorder Of Deglycosylation 2, allowing no conclusion about variant significance. To our knowledge, no occurrence of c.351+1G>A in individuals affected with Congenital Disorder Of Deglycosylation 2 and no experimental evidence demonstrating its impact on protein function have been reported. No submitters have cited clinical-significance assessments for this variant to ClinVar. Based on the evidence outlined above, the variant was classified as likely pathogenic.

3billion
Classification: Likely pathogenic for Congenital disorder of deglycosylation 2. Last evaluated: 2023-10-12. Review status: criteria provided, single submitter. Criteria: ACMG Guidelines, 2015. Collection method: clinical testing. Allele origin: germline. Affected: yes.
Comment: The variant is observed at an extremely low frequency in the gnomAD v2.1.1 dataset (total allele frequency: 0.004%). Predicted Consequence/Location: Canonical splice site: predicted to alter splicing and result in a loss or disruption of normal protein function. Multiple pathogenic loss-of-function variants are reported downstream of the variant. Therefore, this variant is classified as Likely pathogenic according to the recommendation of ACMG/AMP guideline.

Dr. Peter K. Rogan Lab, Western University
No classification provided (evidence only). Condition: Familial cancer of breast. Review status: no classification provided. Collection method: in vitro. Allele origin: not applicable. Functional consequence: retained intron. Not counted in ClinVar's aggregate classification.